The following is an entry in ClinVar:

NM_022168.4(IFIH1):c.1783C>A (p.Arg595Ser)

Gene: IFIH1 (interferon induced with helicase C domain 1; minus strand). Cytogenetic location: 2q24.2.
Variant type: single nucleotide variant.
Coding change: c.1783C>A on transcript NM_022168.4 (MANE Select); coding-DNA position 1783, C replaced by A.
Protein change: p.Arg595Ser; replaces arginine 595 with serine.
Molecular consequence: missense variant.
Genome position (GRCh38, 1-based): chr2:162,277,676, G>T on the plus strand (C>A on the coding strand, the complement: IFIH1 is on the minus strand). VCF-style: chr2-162277676-G-T. GRCh37 (hg19) VCF-style: chr2-163134186-G-T.
Other names: short protein forms R595S.
Identifiers: ClinVar variation 2194450 (VCV002194450.4), dbSNP rs191839015, ClinGen allele CA1934393.

ClinVar aggregate classification (germline): Uncertain significance (1 of 4 stars; one submission).

Conditions:
Singleton-Merten syndrome 1 (SGMRT1). Also called: Widened medullary cavities of bone, aortic calcification, abnormal dentition, and muscular weakness; Syndrome of widened medullary cavities of the metacarpals and phalanges, aortic calcification and abnormal dentition. Identifiers: Orphanet 85191, MedGen C4225427, MONDO:0024535, OMIM 182250.
Aicardi-Goutieres syndrome 7 (AGS7). Identifiers: Orphanet 51, MedGen C3888244, MONDO:0014367, OMIM 615846.

Allele frequency attached by ClinVar (database versions not stated): ESP Exome Variant Server 0.00008; 1000 Genomes Project 30x 0.00031; 1000 Genomes Project 0.00040.
gnomAD v4.1: 7 of 1,602,396 alleles (0.00044%); highest among the groups gnomAD compares: African/African-American, 0.0094%; no homozygotes.

Submission:

Labcorp Genetics (formerly Invitae), Labcorp
Classification: Uncertain significance for Aicardi-Goutieres syndrome 7; Singleton-Merten syndrome 1. Last evaluated: 2022-08-10. Review status: criteria provided, single submitter. Criteria: Invitae Variant Classification Sherloc (09022015). Collection method: clinical testing. Allele origin: germline.
Comment: In summary, the available evidence is currently insufficient to determine the role of this variant in disease. Therefore, it has been classified as a Variant of Uncertain Significance. Algorithms developed to predict the effect of missense changes on protein structure and function are either unavailable or do not agree on the potential impact of this missense change (SIFT: "Tolerated"; PolyPhen-2: "Possibly Damaging"; Align-GVGD: "Class C15"). This variant has not been reported in the literature in individuals affected with IFIH1-related conditions. This variant is present in population databases (rs191839015, gnomAD 0.02%). This sequence change replaces arginine, which is basic and polar, with serine, which is neutral and polar, at codon 595 of the IFIH1 protein (p.Arg595Ser).